The following is an entry in ClinVar:

ClinVar aggregate classification (germline): Conflicting classifications of pathogenicity. Review status: criteria provided, conflicting classifications (1 of 4 stars). 2 submissions from 2 submitters: Uncertain significance (1); Likely benign (1). Last evaluated 2025-03-20.

Conditions:
Epidermolysis bullosa simplex with nail dystrophy (EBS5D). Identifiers: MedGen C4225309, MONDO:0014661, OMIM 616487.
Epidermolysis bullosa simplex 5B, with muscular dystrophy (EBS5B). Also called: EPIDERMOLYSIS BULLOSA SIMPLEX AND LIMB-GIRDLE MUSCULAR DYSTROPHY; Epidermolysis bullosa simplex with muscular dystrophy. Identifiers: Orphanet 257, MedGen C2931072, MONDO:0009181, OMIM 226670.
Epidermolysis bullosa simplex, Ogna type (EBS5A). Also called: Pidermolysis bullosa simplex 5A, Ogna type; EPIDERMOLYSIS BULLOSA SIMPLEX 5A, OGNA TYPE. Identifiers: Orphanet 79401, MedGen C0432317, MONDO:0007555, OMIM 131950.
Autosomal recessive limb-girdle muscular dystrophy type 2Q (LGMDR17). Also called: MUSCULAR DYSTROPHY, LIMB-GIRDLE, AUTOSOMAL RECESSIVE 17. Identifiers: Orphanet 254361, MedGen C3150989, MONDO:0013390, OMIM 613723.
Epidermolysis bullosa simplex 5C, with pyloric atresia (EBS5C). Also called: PLEC-Related Epidermolysis Bullosa with Pyloric Atresia; Epidermolysis bullosa simplex with pyloric atresia; PLEC1-Related Epidermolysis Bullosa with Pyloric Atresia. Identifiers: Orphanet 158684, MedGen C2677349, MONDO:0012807, OMIM 612138.

Allele frequency attached by ClinVar (database versions not stated): gnomAD exomes below 0.00001; TOPMed below 0.00001.
gnomAD v4.1: 3 of 1,612,396 alleles (0.00019%); highest among the groups gnomAD compares: Non-Finnish European, 0.00025%; no homozygotes.

Submissions (2):

Labcorp Genetics (formerly Invitae), Labcorp
Classification: Uncertain significance for Autosomal recessive limb-girdle muscular dystrophy type 2Q; Epidermolysis bullosa simplex, Ogna type; Epidermolysis bullosa simplex with nail dystrophy; Epidermolysis bullosa simplex 5C, with pyloric atresia; Epidermolysis bullosa simplex 5B, with muscular dystrophy. Last evaluated: 2025-03-20. Review status: criteria provided, single submitter. Criteria: Invitae Variant Classification Sherloc (09022015). Collection method: clinical testing. Allele origin: germline.
Comment: This sequence change falls in intron 8 of the PLEC gene. It does not directly change the encoded amino acid sequence of the PLEC protein. This variant is present in population databases (no rsID available, gnomAD 0.0009%). This variant has not been reported in the literature in individuals affected with PLEC-related conditions. ClinVar contains an entry for this variant (Variation ID: 387562). Algorithms developed to predict the effect of sequence changes on RNA splicing suggest that this variant may disrupt the consensus splice site. In summary, the available evidence is currently insufficient to determine the role of this variant in disease. Therefore, it has been classified as a Variant of Uncertain Significance.

GeneDx
Classification: Likely benign. Last evaluated: 2016-07-27. Review status: criteria provided, single submitter. Criteria: GeneDx Variant Classification (06012015). Collection method: clinical testing. Allele origin: germline. Affected: yes.
Comment: This variant is considered likely benign or benign based on one or more of the following criteria: it is a conservative change, it occurs at a poorly conserved position in the protein, it is predicted to be benign by multiple in silico algorithms, and/or has population frequency not consistent with disease.

NM_201384.3(PLEC):c.719-20T>G

Gene: PLEC (plectin; minus strand). Cytogenetic location: 8q24.3.
Variant type: single nucleotide variant.
Coding change: c.719-20T>G on transcript NM_201384.3 (MANE Select); 20 bases into the intron before coding-DNA position 719, T replaced by G.
Molecular consequence: intron variant.
Genome position (GRCh38, 1-based): chr8:143,935,137, A>C on the plus strand (T>G on the coding strand, the complement: PLEC is on the minus strand). VCF-style: chr8-143935137-A-C. GRCh37 (hg19) VCF-style: chr8-145009305-A-C.
Other names: c.800-20T>G (NM_000445.5); c.677-20T>G (NM_201378.4); c.653-20T>G (NM_201379.3); c.1130-20T>G (NM_201380.4); c.623-20T>G (NM_201381.3); c.719-20T>G (NM_201382.4); c.731-20T>G (NM_201383.3).
Identifiers: ClinVar variation 387562 (VCV000387562.2), dbSNP rs1057522823, ClinGen allele CA16605453.